The following is an entry in ClinVar:

ClinVar aggregate classification (germline): Likely benign. Review status: criteria provided, single submitter (1 of 4 stars). 2 submissions from 2 submitters: Likely benign (1). 1 of the submissions does not count toward it. Last evaluated 2024-04-12.

Conditions:
Frontotemporal dementia and/or amyotrophic lateral sclerosis 6 (FTDALS6). Also called: VCP-Related Amyotrophic Lateral Sclerosis/Frontotemporal Dementia; VCP-Related Amyotrophic Lateral Sclerosis. Identifiers: Orphanet 275872, Orphanet 803, MedGen C5436279, MONDO:0013501, OMIM 613954.
Inclusion body myopathy with Paget disease of bone and frontotemporal dementia. Also called: Inclusion body myopathy with early-onset Paget disease and frontotemporal dementia. Identifiers: Orphanet 52430, MedGen C1833662, MONDO:0000507.
VCP-related disorder. Also called: VCP-related condition; VCP-related disorders.

Allele frequency attached by ClinVar (database versions not stated): gnomAD below 0.00001 and 0.00003; TOPMed below 0.00001; gnomAD exomes 0.00005 and 0.00008; ExAC 0.00007.

Submissions (2):

Labcorp Genetics (formerly Invitae), Labcorp
Classification: Likely benign for Inclusion body myopathy with Paget disease of bone and frontotemporal dementia; Frontotemporal dementia and/or amyotrophic lateral sclerosis 6. Last evaluated: 2024-04-12. Review status: criteria provided, single submitter. Criteria: Invitae Variant Classification Sherloc (09022015). Collection method: clinical testing. Allele origin: germline.

PreventionGenetics, part of Exact Sciences
Classification: Likely benign for VCP-related condition. Last evaluated: 2023-10-06. Review status: no assertion criteria provided. Collection method: clinical testing. Allele origin: germline. Not counted in ClinVar's aggregate classification.
Comment: This variant is classified as likely benign based on ACMG/AMP sequence variant interpretation guidelines (Richards et al. 2015 PMID: 25741868, with internal and published modifications).

NM_007126.5(VCP):c.1476G>A (p.Leu492=)

Gene: VCP (valosin containing protein; minus strand). Cytogenetic location: 9p13.3.
Variant type: single nucleotide variant.
Coding change: c.1476G>A on transcript NM_007126.5 (MANE Select); coding-DNA position 1476, G replaced by A.
Protein change: p.Leu492=; no amino-acid change (leucine 492 retained).
Molecular consequence: synonymous variant.
Genome position (GRCh38, 1-based): chr9:35,060,807, C>T on the plus strand (G>A on the coding strand, the complement: VCP is on the minus strand). VCF-style: chr9-35060807-C-T. GRCh37 (hg19) VCF-style: chr9-35060804-C-T.
Other names: c.1341G>A, p.Leu447= (NM_001354927.2, NM_001354928.2).
Identifiers: ClinVar variation 733355 (VCV000733355.8), dbSNP rs759475496, ClinGen allele CA5039249.